The following is an entry in ClinVar:

ClinVar aggregate classification (germline): Conflicting classifications of pathogenicity. Review status: criteria provided, conflicting classifications (1 of 4 stars). 7 submissions from 7 submitters: Uncertain significance (6); Likely benign (1). Last evaluated 2023-08-07.

Conditions:
Hereditary cancer-predisposing syndrome. Also called: Neoplastic Syndromes, Hereditary; Tumor predisposition; Hereditary Cancer Syndrome; Hereditary neoplastic syndrome. Identifiers: Orphanet 140162, MedGen C0027672, MeSH D009386, MONDO:0015356.
Hereditary breast ovarian cancer syndrome. Also called: BRCA1- and BRCA2-Associated Hereditary Breast and Ovarian Cancer; Hereditary breast and ovarian cancer syndrome; Hereditary breast and ovarian cancer; Hereditary breast and ovarian cancer syndrome (HBOC); Breast and ovarian cancer; Hereditary breast and/or ovarian cancer syndrome. Identifiers: Orphanet 145, MedGen C0677776, MeSH D061325, MONDO:0003582. Disease mechanism: loss of function.

Submissions (7):

Women's Health and Genetics/Laboratory Corporation of America, LabCorp
Classification: Uncertain significance. Last evaluated: 2023-08-07. Review status: criteria provided, single submitter. Criteria: LabCorp Variant Classification Summary - May 2015. Collection method: clinical testing. Allele origin: germline.

Labcorp Genetics (formerly Invitae), Labcorp
Classification: Uncertain significance for Hereditary breast ovarian cancer syndrome. Last evaluated: 2023-06-20. Review status: criteria provided, single submitter. Criteria: Invitae Variant Classification Sherloc (09022015). Collection method: clinical testing. Allele origin: germline.
Comment: This variant is not present in population databases (gnomAD no frequency). This sequence change replaces valine, which is neutral and non-polar, with leucine, which is neutral and non-polar, at codon 1756 of the BRCA2 protein (p.Val1756Leu). This variant has not been reported in the literature in individuals affected with BRCA2-related conditions. In summary, the available evidence is currently insufficient to determine the role of this variant in disease. Therefore, it has been classified as a Variant of Uncertain Significance. Advanced modeling of protein sequence and biophysical properties (such as structural, functional, and spatial information, amino acid conservation, physicochemical variation, residue mobility, and thermodynamic stability) performed at Invitae indicates that this missense variant is not expected to disrupt BRCA2 protein function. ClinVar contains an entry for this variant (Variation ID: 231404).

University of Washington Department of Laboratory Medicine, University of Washington
Classification: Likely benign for Hereditary cancer-predisposing syndrome. Last evaluated: 2023-03-23. Review status: criteria provided, single submitter. Criteria: Dines et al. (Genet Med. 2020). Collection method: curation. Allele origin: germline.
Comment: Missense variant in a coldspot region where missense variants are very unlikely to be pathogenic (PMID:31911673).

BRCA2 exon 11 coldspot. Reclassification based on statistical prior probability.

GeneDx
Classification: Uncertain significance. Last evaluated: 2022-06-13. Review status: criteria provided, single submitter. Criteria: GeneDx Variant Classification Process June 2021. Collection method: clinical testing. Allele origin: germline. Affected: yes.
Comment: Not observed at significant frequency in large population cohorts (gnomAD); In silico analysis supports that this missense variant does not alter protein structure/function; Has not been previously published as pathogenic or benign to our knowledge; Also known as 5494G>C

Quest Diagnostics Nichols Institute San Juan Capistrano
Classification: Uncertain significance. Last evaluated: 2019-12-05. Review status: criteria provided, single submitter. Criteria: Quest Diagnostics criteria. Collection method: clinical testing. Allele origin: unknown.

Color Diagnostics, LLC DBA Color Health
Classification: Uncertain significance for Hereditary cancer-predisposing syndrome. Last evaluated: 2019-09-18. Review status: criteria provided, single submitter. Criteria: ACMG Guidelines, 2015. Collection method: clinical testing. Allele origin: germline.
Comment: This missense variant replaces valine with leucine at codon 1756 of the BRCA2 protein. Computational prediction tool suggests that this variant may not impact protein structure and function (internally defined REVEL score threshold ≤0.5, PMID: 27666373). Splice site prediction tools suggest that this variant may not impact RNA splicing. To our knowledge, functional studies have not been performed for this variant. This variant has not been reported in individuals affected with hereditary cancer in the literature. This variant has not been identified in the general population by the Genome Aggregation Database (gnomAD). The available evidence is insufficient to determine the role of this variant in disease conclusively. Therefore, this variant is classified as a Variant of Uncertain Significance.

Ambry Genetics
Classification: Uncertain significance for Hereditary cancer-predisposing syndrome. Last evaluated: 2018-11-19. Review status: criteria provided, single submitter. Criteria: Ambry Variant Classification Scheme 2023. Collection method: clinical testing. Allele origin: germline.
Comment: The p.V1756L variant (also known as c.5266G>C), located in coding exon 10 of the BRCA2 gene, results from a G to C substitution at nucleotide position 5266. The valine at codon 1756 is replaced by leucine, an amino acid with highly similar properties. This amino acid position is poorly conserved in available vertebrate species. In addition, this alteration is predicted to be tolerated by in silico analysis. Since supporting evidence is limited at this time, the clinical significance of this alteration remains unclear.

NM_000059.4(BRCA2):c.5266G>C (p.Val1756Leu)

Gene: BRCA2 (BRCA2 DNA repair associated; plus strand). Cytogenetic location: 13q13.1.
Variant type: single nucleotide variant.
Coding change: c.5266G>C on transcript NM_000059.4 (MANE Select); coding-DNA position 5266, G replaced by C.
Protein change: p.Val1756Leu; replaces valine 1756 with leucine.
Molecular consequence: missense variant.
Genome position (GRCh38, 1-based): chr13:32,339,621, G>C. VCF-style: chr13-32339621-G-C. GRCh37 (hg19) VCF-style: chr13-32913758-G-C.
Other names: short protein forms V1756L.
Identifiers: ClinVar variation 231404 (VCV000231404.21), dbSNP rs876659138, ClinGen allele CA10579650.